The following is an entry in ClinVar:

NM_001005273.3(CHD3):c.1250A>C (p.Lys417Thr)

Genes: CHD3 (chromodomain helicase DNA binding protein 3; plus strand), LOC126862484 (CDK7 strongly-dependent group 2 enhancer GRCh37_chr17:7797066-7798265; plus strand). Cytogenetic location: 17p13.1.
Variant type: single nucleotide variant.
Coding change: c.1250A>C on transcript NM_001005273.3 (MANE Select); coding-DNA position 1250, A replaced by C.
Protein change: p.Lys417Thr; replaces lysine 417 with threonine.
Molecular consequence: missense variant.
Genome position (GRCh38, 1-based): chr17:7,894,589, A>C. VCF-style: chr17-7894589-A-C. GRCh37 (hg19) VCF-style: chr17-7797907-A-C.
Other names: c.1427A>C, p.Lys476Thr (NM_001005271.3); c.1250A>C, p.Lys417Thr (NM_005852.4); short protein forms K417T, K476T.
Identifiers: ClinVar variation 3768779 (VCV003768779.1).

ClinVar aggregate classification (germline): Uncertain significance (1 of 4 stars; one submission).

gnomAD v4.1: 1 of 1,613,442 alleles (0.000062%); highest among the groups gnomAD compares: African/African-American, 0.0013%; no homozygotes.

Submission:

Women's Health and Genetics/Laboratory Corporation of America, LabCorp
Classification: Uncertain significance. Last evaluated: 2025-02-04. Review status: criteria provided, single submitter. Criteria: LabCorp Variant Classification Summary - May 2015. Collection method: clinical testing. Allele origin: germline.
Comment: Variant summary: CHD3 c.1250A>C (p.Lys417Thr) results in a non-conservative amino acid change located in the zinc finger PHD-type profile domain (IPR019787) of the encoded protein sequence. Three of five in-silico tools predict a benign effect of the variant on protein function. The frequency data for this variant in gnomAD is considered unreliable, as metrics indicate poor data quality at this position. To our knowledge, no occurrence of c.1250A>C in individuals affected with Snijders Blok-Campeau Syndrome and no experimental evidence demonstrating its impact on protein function have been reported. No submitters have cited clinical-significance assessments for this variant to ClinVar. Based on the evidence outlined above, the variant was classified as uncertain significance.